The following is an entry in ClinVar:

NM_020693.4(DSCAML1):c.2120G>A (p.Gly707Asp)

Gene: DSCAML1 (DS cell adhesion molecule like 1; minus strand). Cytogenetic location: 11q23.3.
Variant type: single nucleotide variant.
Coding change: c.2120G>A on transcript NM_020693.4 (MANE Select); coding-DNA position 2120, G replaced by A.
Protein change: p.Gly707Asp; replaces glycine 707 with aspartic acid.
Molecular consequence: missense variant.
Genome position (GRCh38, 1-based): chr11:117,504,986, C>T on the plus strand (G>A on the coding strand, the complement: DSCAML1 is on the minus strand). VCF-style: chr11-117504986-C-T. GRCh37 (hg19) VCF-style: chr11-117375701-C-T.
Other names: c.2120G>A, p.Gly707Asp (NM_001367904.1); short protein forms G707D.
Identifiers: ClinVar variation 2839982 (VCV002839982.3), dbSNP rs2543231613, ClinGen allele CA382754675.

ClinVar aggregate classification (germline): Uncertain significance (1 of 4 stars; one submission).

Submission:

Labcorp Genetics (formerly Invitae), Labcorp
Classification: Uncertain significance. Last evaluated: 2023-02-24. Review status: criteria provided, single submitter. Criteria: Invitae Variant Classification Sherloc (09022015). Collection method: clinical testing. Allele origin: germline.
Comment: This variant has not been reported in the literature in individuals affected with DSCAML1-related conditions. An algorithm developed to predict the effect of missense changes on protein structure and function (PolyPhen-2) suggests that this variant is likely to be tolerated. In summary, the available evidence is currently insufficient to determine the role of this variant in disease. Therefore, it has been classified as a Variant of Uncertain Significance. This variant is not present in population databases (gnomAD no frequency). This sequence change replaces glycine, which is neutral and non-polar, with aspartic acid, which is acidic and polar, at codon 767 of the DSCAML1 protein (p.Gly767Asp).